The following is an entry in ClinVar:

NM_001318510.2(ACSL4):c.895A>G (p.Ile299Val)

Gene: ACSL4 (acyl-CoA synthetase long chain family member 4; minus strand). Cytogenetic location: Xq23.
Variant type: single nucleotide variant.
Coding change: c.895A>G on transcript NM_001318510.2 (MANE Select); coding-DNA position 895, A replaced by G.
Protein change: p.Ile299Val; replaces isoleucine 299 with valine.
Molecular consequence: missense variant.
Genome position (GRCh38, 1-based): chrX:109,678,023, T>C on the plus strand (A>G on the coding strand, the complement: ACSL4 is on the minus strand). VCF-style: chrX-109678023-T-C. GRCh37 (hg19) VCF-style: chrX-108921252-T-C.
Other names: c.1018A>G, p.Ile340Val (NM_001318509.2, NM_022977.3); c.895A>G, p.Ile299Val (NM_004458.3); short protein forms I299V, I340V.
Identifiers: ClinVar variation 1304051 (VCV001304051.2), dbSNP rs1923865156, ClinGen allele CA414217272.
Genomic context (GRCh38, chrX:109,678,023, plus strand): 5'-GCCAATATACTGAAAAGTTTGTCACCTGGTCAGAGAGTGTAAGCGGAGAAGAATATCCAA[T>C]CCTGCAGCCATAGGTAAAGCAAGATATCTCTGCTGTCAGTTCTAGCACATGAGCCAAAGG-3'
Protein context (NP_001305439.1, residues 289-309): EISCFTYGCR[Ile299Val]GYSSPLTLSD

ClinVar aggregate classification (germline): Uncertain significance (1 of 4 stars; one submission).

Allele frequency attached by ClinVar (database versions not stated): TOPMed 0.00001.

Submission:

GeneDx
Classification: Uncertain significance. Last evaluated: 2019-05-30. Review status: criteria provided, single submitter. Criteria: GeneDx Variant Classification Process June 2021. Collection method: clinical testing. Allele origin: germline. Affected: yes.
Comment: Not observed in large population cohorts (Lek et al., 2016); Has not been previously published as pathogenic or benign to our knowledge